The following is an entry in ClinVar:

ClinVar aggregate classification (germline): Uncertain significance (1 of 4 stars; one submission).

Allele frequency attached by ClinVar (database versions not stated): gnomAD exomes 0.00004; ExAC 0.00006; gnomAD 0.00018; TOPMed 0.00022; ESP Exome Variant Server 0.00023.
gnomAD v4.1: 81 of 1,613,204 alleles (0.005%); highest among the groups gnomAD compares: African/African-American, 0.051%; no homozygotes.

Submission:

Labcorp Genetics (formerly Invitae), Labcorp
Classification: Uncertain significance. Last evaluated: 2025-06-23. Review status: criteria provided, single submitter. Criteria: Invitae Variant Classification Sherloc (09022015). Collection method: clinical testing. Allele origin: germline.
Comment: This sequence change replaces glutamic acid, which is acidic and polar, with lysine, which is basic and polar, at codon 240 of the ACAN protein (p.Glu240Lys). This variant is present in population databases (rs200578079, gnomAD 0.05%). This variant has not been reported in the literature in individuals affected with ACAN-related conditions. ClinVar contains an entry for this variant (Variation ID: 1983096). Invitae Evidence Modeling of protein sequence and biophysical properties (such as structural, functional, and spatial information, amino acid conservation, physicochemical variation, residue mobility, and thermodynamic stability) indicates that this missense variant is not expected to disrupt ACAN protein function with a negative predictive value of 80%. In summary, the available evidence is currently insufficient to determine the role of this variant in disease. Therefore, it has been classified as a Variant of Uncertain Significance.

NM_001369268.1(ACAN):c.718G>A (p.Glu240Lys)

Gene: ACAN (aggrecan; plus strand). Cytogenetic location: 15q26.1.
Variant type: single nucleotide variant.
Coding change: c.718G>A on transcript NM_001369268.1 (MANE Select); coding-DNA position 718, G replaced by A.
Protein change: p.Glu240Lys; replaces glutamic acid 240 with lysine.
Molecular consequence: missense variant.
Genome position (GRCh38, 1-based): chr15:88,841,828, G>A. VCF-style: chr15-88841828-G-A. GRCh37 (hg19) VCF-style: chr15-89385059-G-A.
Other names: c.718G>A, p.Glu240Lys (NM_001135.4, NM_001411096.1, NM_001411097.1 and 1 more transcripts); short protein forms E240K.
Identifiers: ClinVar variation 1983096 (VCV001983096.4), dbSNP rs200578079, ClinGen allele CA7719330.